The following is an entry in ClinVar:

NM_004713.6(NEMF):c.1A>T (p.Met1Leu)

Gene: NEMF (nuclear export mediator factor; minus strand). Cytogenetic location: 14q21.3.
Variant type: single nucleotide variant.
Coding change: c.1A>T on transcript NM_004713.6 (MANE Select); coding-DNA position 1, A replaced by T.
Protein change: p.Met1Leu; changes the start codon (methionine 1).
Molecular consequence: missense variant, initiator codon variant.
Genome position (GRCh38, 1-based): chr14:49,852,753, T>A on the plus strand (A>T on the coding strand, the complement: NEMF is on the minus strand). VCF-style: chr14-49852753-T-A. GRCh37 (hg19) VCF-style: chr14-50319471-T-A.
Other names: c.1A>T, p.Met1Leu (NM_001301732.3); short protein forms M1L.
Identifiers: ClinVar variation 973827 (VCV000973827.2), dbSNP rs748663568, ClinGen allele CA389752259.

ClinVar aggregate classification (germline): Pathogenic (1 of 4 stars; one submission).

Submission:

GeneDx
Classification: Pathogenic. Last evaluated: 2020-07-15. Review status: criteria provided, single submitter. Criteria: GeneDx Variant Classification (06012015). Collection method: clinical testing. Allele origin: germline. Affected: yes.
Comment: Initiation codon variant in a gene for which loss-of-function is a known mechanism of disease. Not observed in large population cohorts (Lek et al., 2016). We interpret c.1A>T as a pathogenic variant.